The following is an entry in ClinVar:

NM_015311.3(OBSL1):c.4376G>A (p.Arg1459Gln)

Gene: OBSL1 (obscurin like cytoskeletal adaptor 1; minus strand). Cytogenetic location: 2q35.
Variant type: single nucleotide variant.
Coding change: c.4376G>A on transcript NM_015311.3 (MANE Select); coding-DNA position 4376, G replaced by A.
Protein change: p.Arg1459Gln; replaces arginine 1459 with glutamine.
Molecular consequence: missense variant.
Genome position (GRCh38, 1-based): chr2:219,556,253, C>T on the plus strand (G>A on the coding strand, the complement: OBSL1 is on the minus strand). VCF-style: chr2-219556253-C-T. GRCh37 (hg19) VCF-style: chr2-220420975-C-T.
Other names: c.4376G>A, p.Arg1459Gln (NM_001173431.2); c.4376G>A (NM_015311.2); short protein forms R1459Q.
Identifiers: ClinVar variation 194413 (VCV000194413.9), dbSNP rs200827101, ClinGen allele CA240348.

ClinVar aggregate classification (germline): Uncertain significance. Review status: criteria provided, multiple submitters, no conflicts (2 of 4 stars). 3 submissions from 3 submitters: Uncertain significance (3). Last evaluated 2025-12-13.

Conditions:
OBSL1-related disorder. Also called: OBSL1-related condition.

Allele frequency attached by ClinVar (database versions not stated): ExAC 0.00026; ESP Exome Variant Server 0.00008; gnomAD 0.00013 and 0.00016; TOPMed 0.00017; gnomAD exomes 0.00024.
gnomAD v4.1: 373 of 1,596,218 alleles (0.023%); highest among the groups gnomAD compares: Admixed American, 0.035%; 1 homozygote.

Submissions (3):

PreventionGenetics, part of Exact Sciences
Classification: Uncertain significance for OBSL1-related condition. Last evaluated: 2025-12-13. Review status: criteria provided, single submitter. Criteria: ACMG Guidelines, 2015. Collection method: clinical testing. Allele origin: germline.
Comment: The OBSL1 c.4376G>A variant is predicted to result in the amino acid substitution p.Arg1459Gln. To our knowledge, this variant has not been reported in the literature. This variant is reported in 0.049% of alleles in individuals of Latino descent in gnomAD. At this time, the clinical significance of this variant is uncertain due to the absence of conclusive functional and genetic evidence.

Labcorp Genetics (formerly Invitae), Labcorp
Classification: Uncertain significance. Last evaluated: 2022-09-01. Review status: criteria provided, single submitter. Criteria: Invitae Variant Classification Sherloc (09022015). Collection method: clinical testing. Allele origin: germline.
Comment: This sequence change replaces arginine, which is basic and polar, with glutamine, which is neutral and polar, at codon 1459 of the OBSL1 protein (p.Arg1459Gln). This variant is present in population databases (rs200827101, gnomAD 0.05%). This variant has not been reported in the literature in individuals affected with OBSL1-related conditions. ClinVar contains an entry for this variant (Variation ID: 194413). Algorithms developed to predict the effect of missense changes on protein structure and function are either unavailable or do not agree on the potential impact of this missense change (SIFT: "Tolerated"; PolyPhen-2: "Probably Damaging"; Align-GVGD: "Class C0"). In summary, the available evidence is currently insufficient to determine the role of this variant in disease. Therefore, it has been classified as a Variant of Uncertain Significance.

Eurofins Ntd Llc (ga)
Classification: Uncertain significance. Last evaluated: 2015-05-11. Review status: criteria provided, single submitter. Criteria: EGL Classification Definitions 2015. Collection method: clinical testing. Allele origin: germline. Observed: 1 variant allele, 1 heterozygote.